The following is an entry in ClinVar:

NM_001378418.1(TCF20):c.2662_2663del (p.Met888fs)

Gene: TCF20 (transcription factor 20; minus strand). Cytogenetic location: 22q13.2.
Variant type: Deletion.
Coding change: c.2662_2663del on transcript NM_001378418.1 (MANE Select); coding-DNA positions 2662 to 2663, 2 bases deleted (AT; older notation c.2662_2663delAT).
Protein change: p.Met888fs; shifts the reading frame from methionine 888.
Molecular consequence: frameshift variant.
Genome position (GRCh38, 1-based): chr22:42,212,643-42,212,644, AT deleted on the plus strand (AT on the coding strand, the reverse complement: TCF20 is on the minus strand). VCF-style (leftmost placement, unchanged base first): chr22-42212642-CAT-C. GRCh37 (hg19) VCF-style: chr22-42608648-CAT-C.
Other names: c.2662_2663del, p.Met888fs (NM_005650.4, NM_181492.3); short protein forms M888fs.
Identifiers: ClinVar variation 3769601 (VCV003769601.1).

ClinVar aggregate classification (germline): Pathogenic (1 of 4 stars; one submission).

Conditions:
Neurodevelopmental abnormality. Identifiers: MedGen C4022737, HP:0012759.

Submission:

Clinical Genetics Laboratory, Skane University Hospital Lund
Classification: Pathogenic for Neurodevelopmental abnormality. Last evaluated: 2024-10-14. Review status: criteria provided, single submitter. Criteria: ACMG Guidelines, 2015. Collection method: clinical testing. Allele origin: de novo. Inheritance: Autosomal dominant inheritance. Affected: yes.
Comment: ACMG criteria used: PVS1, PS2, PM2